The following is an entry in ClinVar:

ClinVar aggregate classification (germline): Benign (1 of 4 stars; one submission).

Conditions:
CBL-related disorder. Also called: NOONAN SYNDROME-LIKE DISORDER WITHOUT JUVENILE MYELOMONOCYTIC LEUKEMIA; CBL MUTATION-ASSOCIATED SYNDROME; CBL SYNDROME. Identifiers: Orphanet 363972, MedGen C3150803, MONDO:0013308, OMIM 613563.

Allele frequency attached by ClinVar (database versions not stated): gnomAD 0.00001 and 0.00004; TOPMed 0.00001; 1000 Genomes Project 30x 0.00031; 1000 Genomes Project 0.00040; gnomAD exomes 0.00050.
gnomAD v4.1: 41 of 226,340 alleles (0.018%); highest among the groups gnomAD compares: East Asian, 0.26%; 1 homozygote.

Submission:

Illumina Laboratory Services, Illumina
Classification: Benign for CBL-related disorder. Last evaluated: 2018-01-12. Review status: criteria provided, single submitter. Criteria: ICSL Variant Classification Criteria 13 December 2019. Collection method: clinical testing. Allele origin: germline.
Comment: This variant was observed in the ICSL laboratory as part of a predisposition screen in an ostensibly healthy population. It had not been previously curated by ICSL or reported in the Human Gene Mutation Database (HGMD: prior to June 1st, 2018), and was therefore a candidate for classification through an automated scoring system. Utilizing variant allele frequency, disease prevalence and penetrance estimates, and inheritance mode, an automated score was calculated to assess if this variant is too frequent to cause the disease. Based on the score and internal cut-off values, a variant classified as benign is not then subjected to further curation. The score for this variant resulted in a classification of benign for this disease.

NM_005188.4(CBL):c.*7903G>A

Gene: CBL (Cbl proto-oncogene; plus strand). Cytogenetic location: 11q23.3.
Variant type: single nucleotide variant.
Coding change: c.*7903G>A on transcript NM_005188.4 (MANE Select); 7903 bases downstream of the stop codon, G replaced by A.
Molecular consequence: 3 prime UTR variant.
Genome position (GRCh38, 1-based): chr11:119,307,684, G>A. VCF-style: chr11-119307684-G-A. GRCh37 (hg19) VCF-style: chr11-119178394-G-A.
Identifiers: ClinVar variation 302908 (VCV000302908.5), dbSNP rs201889676, ClinGen allele CA10637436.